The following is an entry in ClinVar:

ClinVar aggregate classification (germline): Likely benign. Review status: criteria provided, multiple submitters, no conflicts (2 of 4 stars). 4 submissions from 4 submitters: Likely benign (4). Last evaluated 2025-03-11.

Conditions:
Baraitser-winter syndrome 2. Identifiers: Orphanet 2995, MedGen C3281235, MONDO:0013812, OMIM 614583.
Autosomal dominant nonsyndromic hearing loss 20. Identifiers: Orphanet 90635, MedGen C1858172, MONDO:0011480, OMIM 604717.

Allele frequency attached by ClinVar (database versions not stated): ExAC 0.00010; gnomAD exomes 0.00014; gnomAD 0.00021 and 0.00023; TOPMed 0.00026; 1000 Genomes Project 30x 0.00078; 1000 Genomes Project 0.00080.

Submissions (4):

Labcorp Genetics (formerly Invitae), Labcorp
Classification: Likely benign for Baraitser-winter syndrome 2; Autosomal dominant nonsyndromic hearing loss 20. Last evaluated: 2025-03-11. Review status: criteria provided, single submitter. Criteria: Invitae Variant Classification Sherloc (09022015). Collection method: clinical testing. Allele origin: germline.

CeGaT Center for Human Genetics Tuebingen
Classification: Likely benign. Last evaluated: 2024-11-01. Review status: criteria provided, single submitter. Criteria: CeGaT Center For Human Genetics Tuebingen Variant Classification Criteria Version 2. Collection method: clinical testing. Allele origin: germline. Affected: yes. Observed: 2 variant alleles.
Comment: ACTG1: BP4, BP7

Blueprint Genetics
Classification: Likely benign. Last evaluated: 2024-05-13. Review status: criteria provided, single submitter. Criteria: ACMG Guidelines, 2015. Collection method: clinical testing. Allele origin: germline.

GeneDx
Classification: Likely benign. Last evaluated: 2020-11-02. Review status: criteria provided, single submitter. Criteria: GeneDx Variant Classification Process June 2021. Collection method: clinical testing. Allele origin: germline. Affected: yes.

NM_001614.5(ACTG1):c.210C>T (p.Pro70=)

Gene: ACTG1 (actin gamma 1; minus strand). Cytogenetic location: 17q25.3.
Variant type: single nucleotide variant.
Coding change: c.210C>T on transcript NM_001614.5 (MANE Select); coding-DNA position 210, C replaced by T.
Protein change: p.Pro70=; no amino-acid change (proline 70 retained).
Molecular consequence: synonymous variant. On other transcripts: non-coding transcript variant (1).
Genome position (GRCh38, 1-based): chr17:81,512,056, G>A on the plus strand (C>T on the coding strand, the complement: ACTG1 is on the minus strand). VCF-style: chr17-81512056-G-A. GRCh37 (hg19) VCF-style: chr17-79479082-G-A.
Other names: c.210C>T, p.Pro70= (NM_001199954.3).
Identifiers: ClinVar variation 706460 (VCV000706460.37), dbSNP rs201275526, ClinGen allele CA8836315.